The following is an entry in ClinVar:

ClinVar aggregate classification (germline): Uncertain significance. Review status: criteria provided, multiple submitters, no conflicts (2 of 4 stars). 2 submissions from 2 submitters: Uncertain significance (2). Last evaluated 2024-01-03.

Conditions:
Inborn genetic diseases. Identifiers: MedGen C0950123, MeSH D030342.

Allele frequency attached by ClinVar (database versions not stated): TOPMed below 0.00001; gnomAD 0.00001.
gnomAD v4.1: 3 of 1,614,034 alleles (0.00019%); highest among the groups gnomAD compares: Non-Finnish European, 0.00025%; no homozygotes.

Submissions (2):

Ambry Genetics
Classification: Uncertain significance for Inborn genetic diseases. Last evaluated: 2024-01-03. Review status: criteria provided, single submitter. Criteria: Ambry Variant Classification Scheme 2023. Collection method: clinical testing. Allele origin: germline.

Labcorp Genetics (formerly Invitae), Labcorp
Classification: Uncertain significance. Last evaluated: 2022-06-15. Review status: criteria provided, single submitter. Criteria: Invitae Variant Classification Sherloc (09022015). Collection method: clinical testing. Allele origin: germline.
Comment: This sequence change replaces leucine, which is neutral and non-polar, with valine, which is neutral and non-polar, at codon 295 of the FAM161A protein (p.Leu295Val). This variant is not present in population databases (gnomAD no frequency). This variant has not been reported in the literature in individuals affected with FAM161A-related conditions. Algorithms developed to predict the effect of missense changes on protein structure and function are either unavailable or do not agree on the potential impact of this missense change (SIFT: "Tolerated"; PolyPhen-2: "Possibly Damaging"; Align-GVGD: "Class C0"). In summary, the available evidence is currently insufficient to determine the role of this variant in disease. Therefore, it has been classified as a Variant of Uncertain Significance.

NM_001201543.2(FAM161A):c.883C>G (p.Leu295Val)

Gene: FAM161A (FAM161 centrosomal protein A; minus strand). Cytogenetic location: 2p15.
Variant type: single nucleotide variant.
Coding change: c.883C>G on transcript NM_001201543.2 (MANE Select); coding-DNA position 883, C replaced by G.
Protein change: p.Leu295Val; replaces leucine 295 with valine.
Molecular consequence: missense variant. On other transcripts: non-coding transcript variant (1).
Genome position (GRCh38, 1-based): chr2:61,840,121, G>C on the plus strand (C>G on the coding strand, the complement: FAM161A is on the minus strand). VCF-style: chr2-61840121-G-C. GRCh37 (hg19) VCF-style: chr2-62067256-G-C.
Other names: c.883C>G, p.Leu295Val (NM_032180.3); c.883C>G (NM_001201543.1); short protein forms L295V.
Identifiers: ClinVar variation 2070270 (VCV002070270.2), dbSNP rs1263130422, ClinGen allele CA346987916.